The following is an entry in ClinVar:

ClinVar aggregate classification (germline): Uncertain significance (1 of 4 stars; one submission).

Submission:

Labcorp Genetics (formerly Invitae), Labcorp
Classification: Uncertain significance. Last evaluated: 2021-06-13. Review status: criteria provided, single submitter. Criteria: Invitae Variant Classification Sherloc (09022015). Collection method: clinical testing. Allele origin: germline.
Comment: This variant is not present in population databases (ExAC no frequency). This sequence change replaces phenylalanine with leucine at codon 237 of the FLNB protein (p.Phe237Leu). The phenylalanine residue is highly conserved and there is a small physicochemical difference between phenylalanine and leucine. This variant has not been reported in the literature in individuals with FLNB-related conditions. In summary, the available evidence is currently insufficient to determine the role of this variant in disease. Therefore, it has been classified as a Variant of Uncertain Significance. Advanced modeling of protein sequence and biophysical properties (such as structural, functional, and spatial information, amino acid conservation, physicochemical variation, residue mobility, and thermodynamic stability) performed at Invitae indicates that this missense variant is not expected to disrupt FLNB protein function.

NM_001457.4(FLNB):c.709T>C (p.Phe237Leu)

Gene: FLNB (filamin B; plus strand). Cytogenetic location: 3p14.3.
Variant type: single nucleotide variant.
Coding change: c.709T>C on transcript NM_001457.4 (MANE Select); coding-DNA position 709, T replaced by C.
Protein change: p.Phe237Leu; replaces phenylalanine 237 with leucine.
Molecular consequence: missense variant.
Genome position (GRCh38, 1-based): chr3:58,081,698, T>C. VCF-style: chr3-58081698-T-C. GRCh37 (hg19) VCF-style: chr3-58067425-T-C.
Other names: c.709T>C, p.Phe237Leu (NM_001164317.2, NM_001164318.2, NM_001164319.2); short protein forms F237L.
Identifiers: ClinVar variation 1400738 (VCV001400738.8), dbSNP rs2106966014, ClinGen allele CA353334137.